The following is an entry in ClinVar:

NM_021830.5(TWNK):c.1488T>C (p.Thr496=)

Gene: TWNK (twinkle mtDNA helicase; plus strand). Cytogenetic location: 10q24.31.
Variant type: single nucleotide variant.
Coding change: c.1488T>C on transcript NM_021830.5 (MANE Select); coding-DNA position 1488, T replaced by C.
Protein change: p.Thr496=; no amino-acid change (threonine 496 retained).
Molecular consequence: synonymous variant. On other transcripts: non-coding transcript variant (5).
Genome position (GRCh38, 1-based): chr10:100,990,439, T>C. VCF-style: chr10-100990439-T-C. GRCh37 (hg19) VCF-style: chr10-102750196-T-C.
Other names: c.1488T>C, p.Thr496= (NM_001163812.2); c.126T>C, p.Thr42= (NM_001163813.2, NM_001163814.2, NM_001368275.1).
Identifiers: ClinVar variation 298502 (VCV000298502.23), dbSNP rs549767223, ClinGen allele CA5653252.

ClinVar aggregate classification (germline): Conflicting classifications of pathogenicity. Review status: criteria provided, conflicting classifications (1 of 4 stars). 7 submissions from 4 submitters: Uncertain significance (2); Benign (2); Likely benign (2). 1 of the submissions does not count toward it. Last evaluated 2025-09-28.

Conditions:
TWNK-related disorder. Also called: TWNK-related condition.
Autosomal recessive cerebellar ataxia. Also called: Spinocerebellar Ataxia, Recessive; Spinocerebellar ataxia, autosomal recessive. Identifiers: Orphanet 1172, MedGen C5575375, MONDO:0015244.
Infantile onset spinocerebellar ataxia (MTDPS7). Also called: SPINOCEREBELLAR ATAXIA, INFANTILE, WITH SENSORY NEUROPATHY; Mitochondrial DNA depletion syndrome 7 (hepatocerebral type); OPHTHALMOPLEGIA, HYPOTONIA, ATAXIA, HYPOACUSIS, AND ATHETOSIS; OHAHA SYNDROME. Identifiers: Orphanet 1186, MedGen C1849096, MONDO:0010060, OMIM 271245.
Progressive external ophthalmoplegia with mitochondrial DNA deletions, autosomal dominant 3. Also called: PROGRESSIVE EXTERNAL OPHTHALMOPLEGIA, AUTOSOMAL DOMINANT 3. Identifiers: MedGen C1836439, MONDO:0012241, OMIM 609286.
Sensory ataxic neuropathy, dysarthria, and ophthalmoparesis (SANDO). Also called: Sensory ataxic neuropathy-dysarthria-ophthalmoparesis syndrome; Epilepsy, progressive myoclonic, type 5; SENSORY ATAXIC NEUROPATHY WITH MITOCHONDRIAL DNA DELETIONS, AUTOSOMAL RECESSIVE; Ataxia Neuropathy Spectrum (ANS). Identifiers: Orphanet 70595, MedGen C1843851, MONDO:0011835, OMIM 607459.

Allele frequency attached by ClinVar (database versions not stated): gnomAD 0.00001 and 0.00003; TOPMed 0.00005; gnomAD exomes 0.00006 and 0.00012; ExAC 0.00014; 1000 Genomes Project 30x 0.00016; 1000 Genomes Project 0.00020.
gnomAD v4.1: 93 of 1,613,128 alleles (0.0058%); highest among the groups gnomAD compares: East Asian, 0.2%; 1 homozygote.

Submissions (7):

Labcorp Genetics (formerly Invitae), Labcorp
Classification: Likely benign. Last evaluated: 2025-09-28. Review status: criteria provided, single submitter. Criteria: Invitae Variant Classification Sherloc (09022015). Collection method: clinical testing. Allele origin: germline.

CeGaT Center for Human Genetics Tuebingen
Classification: Likely benign. Last evaluated: 2025-07-01. Review status: criteria provided, single submitter. Criteria: CeGaT Center For Human Genetics Tuebingen Variant Classification Criteria Version 2. Collection method: clinical testing. Allele origin: germline. Affected: yes. Observed: 1 variant allele.
Comment: TWNK: BP4, BP7

Illumina Laboratory Services, Illumina
Classification: Uncertain significance for Infantile onset spinocerebellar ataxia. Last evaluated: 2018-01-13. Review status: criteria provided, single submitter. Criteria: ICSL Variant Classification Criteria 13 December 2019. Collection method: clinical testing. Allele origin: germline.

Illumina Laboratory Services, Illumina
Classification: Uncertain significance for Autosomal recessive cerebellar ataxia. Last evaluated: 2018-01-13. Review status: criteria provided, single submitter. Criteria: ICSL Variant Classification Criteria 13 December 2019. Collection method: clinical testing. Allele origin: germline.

Illumina Laboratory Services, Illumina
Classification: Benign for Sensory ataxic neuropathy-dysarthria-ophthalmoparesis syndrome. Last evaluated: 2018-01-13. Review status: criteria provided, single submitter. Criteria: ICSL Variant Classification Criteria 13 December 2019. Collection method: clinical testing. Allele origin: germline.
Comment: This variant was observed in the ICSL laboratory as part of a predisposition screen in an ostensibly healthy population. It had not been previously curated by ICSL or reported in the Human Gene Mutation Database (HGMD: prior to June 1st, 2018), and was therefore a candidate for classification through an automated scoring system. Utilizing variant allele frequency, disease prevalence and penetrance estimates, and inheritance mode, an automated score was calculated to assess if this variant is too frequent to cause the disease. Based on the score and internal cut-off values, a variant classified as benign is not then subjected to further curation. The score for this variant resulted in a classification of benign for this disease.

Illumina Laboratory Services, Illumina
Classification: Benign for Progressive external ophthalmoplegia with mitochondrial DNA deletions, autosomal dominant 3. Last evaluated: 2018-01-13. Review status: criteria provided, single submitter. Criteria: ICSL Variant Classification Criteria 13 December 2019. Collection method: clinical testing. Allele origin: germline.
Comment: the same text as in the submission from Illumina Laboratory Services, Illumina above.

PreventionGenetics, part of Exact Sciences
Classification: Likely benign for TWNK-related condition. Last evaluated: 2020-04-13. Review status: no assertion criteria provided. Collection method: clinical testing. Allele origin: germline. Not counted in ClinVar's aggregate classification.
Comment: This variant is classified as likely benign based on ACMG/AMP sequence variant interpretation guidelines (Richards et al. 2015 PMID: 25741868, with internal and published modifications).